The following is an entry in ClinVar:

NM_000161.3(GCH1):c.673del (p.Thr225fs)

Gene: GCH1 (GTP cyclohydrolase 1; minus strand). Cytogenetic location: 14q22.2.
Variant type: Deletion.
Coding change: c.673del on transcript NM_000161.3 (MANE Select); coding-DNA position 673, one base deleted (A; older notation c.673delA).
Protein change: p.Thr225fs; shifts the reading frame from threonine 225.
Molecular consequence: frameshift variant. On other transcripts: intron variant (2).
Genome position (GRCh38, 1-based): chr14:54,844,097, T deleted on the plus strand (A on the coding strand, the reverse complement: GCH1 is on the minus strand); the first of 4 consecutive T bases (chr14:54,844,097-54,844,100); deleting any one gives the same sequence. VCF-style (leftmost placement, unchanged base first): chr14-54844096-GT-G. GRCh37 (hg19) VCF-style: chr14-55310814-GT-G.
Other names: c.673del, p.Thr225fs (NM_001024024.2); c.627-1043del (NM_001024071.2); c.627-228del (NM_001024070.2); short protein forms T225fs.
Identifiers: ClinVar variation 1486304 (VCV001486304.6), dbSNP rs2140038846, ClinGen allele CA2573149993.

ClinVar aggregate classification (germline): Likely pathogenic (1 of 4 stars; one submission).

Conditions:
Dystonia 5 (DRD). Also called: DYSTONIA, PROGRESSIVE, WITH DIURNAL VARIATION; DYSTONIA-PARKINSONISM WITH DIURNAL FLUCTUATION; GTP Cyclohydrolase 1-Deficient Dopa-Responsive Dystonia; Dystonia, DOPA-responsive, with or without hyperphenylalaninemia; DYT-GCH1. Identifiers: Orphanet 98808, MedGen C1851920, MONDO:0007495, OMIM 128230.
GTP cyclohydrolase I deficiency. Identifiers: MedGen C0268467, MONDO:0100184.

Submission:

Labcorp Genetics (formerly Invitae), Labcorp
Classification: Likely pathogenic for GTP cyclohydrolase I deficiency; Dystonia 5. Last evaluated: 2022-07-17. Review status: criteria provided, single submitter. Criteria: Invitae Variant Classification Sherloc (09022015). Collection method: clinical testing. Allele origin: germline.
Comment: ClinVar contains an entry for this variant (Variation ID: 1486304). In summary, the currently available evidence indicates that the variant is pathogenic, but additional data are needed to prove that conclusively. Therefore, this variant has been classified as Likely Pathogenic. This variant disrupts the C-terminus of the GCH1 protein. Other variant(s) that disrupt this region (p.Val226Aspfs*23, p.Glu236Argfs*10) have been observed in individuals with GCH1-related conditions (PMID: 15303002, 19491146, 31213404). This suggests that this may be a clinically significant region of the protein. This premature translational stop signal has been observed in individual(s) with dystonia (Invitae). This variant is not present in population databases (gnomAD no frequency). This sequence change creates a premature translational stop signal (p.Thr225Leufs*2) in the GCH1 gene. While this is not anticipated to result in nonsense mediated decay, it is expected to disrupt the last 26 amino acid(s) of the GCH1 protein.

Literature cited by the submitters: PubMed 15303002; PubMed 19491146; PubMed 31213404.